The following is an entry in ClinVar:

ClinVar aggregate classification (germline): Uncertain significance (1 of 4 stars; one submission).

Conditions:
Intellectual developmental disorder, X-linked, syndromic 14. Also called: Syndromic X-linked intellectual disability 14. Identifiers: Orphanet 776, MedGen C1970822, MONDO:0010398, OMIM 300676.

gnomAD v4.1: 2 of 1,199,836 alleles (0.00017%); highest among the groups gnomAD compares: Non-Finnish European, 0.00022%; no homozygotes.

Submission:

Labcorp Genetics (formerly Invitae), Labcorp
Classification: Uncertain significance for Intellectual developmental disorder, X-linked, syndromic 14. Last evaluated: 2025-12-20. Review status: criteria provided, single submitter. Criteria: Invitae Variant Classification Sherloc (09022015). Collection method: clinical testing. Allele origin: germline.
Comment: This sequence change replaces glutamine, which is neutral and polar, with arginine, which is basic and polar, at codon 66 of the UPF3B protein (p.Gln66Arg). The frequency data for this variant in the population databases is considered unreliable, as metrics indicate poor data quality at this position in the gnomAD database. This variant has not been reported in the literature in individuals affected with UPF3B-related conditions. Invitae Evidence Modeling of protein sequence and biophysical properties (such as structural, functional, and spatial information, amino acid conservation, physicochemical variation, residue mobility, and thermodynamic stability) indicates that this missense variant is not expected to disrupt UPF3B protein function with a negative predictive value of 80%. In summary, the available evidence is currently insufficient to determine the role of this variant in disease. Therefore, it has been classified as a Variant of Uncertain Significance.

NM_080632.3(UPF3B):c.197A>G (p.Gln66Arg)

Gene: UPF3B (UPF3B regulator of nonsense mediated mRNA decay; minus strand). Cytogenetic location: Xq24.
Variant type: single nucleotide variant.
Coding change: c.197A>G on transcript NM_080632.3 (MANE Select); coding-DNA position 197, A replaced by G.
Protein change: p.Gln66Arg; replaces glutamine 66 with arginine.
Molecular consequence: missense variant.
Genome position (GRCh38, 1-based): chrX:119,851,833, T>C on the plus strand (A>G on the coding strand, the complement: UPF3B is on the minus strand). VCF-style: chrX-119851833-T-C. GRCh37 (hg19) VCF-style: chrX-118985796-T-C.
Other names: c.197A>G, p.Gln66Arg (NM_023010.4); short protein forms Q66R.
Identifiers: ClinVar variation 4740559 (VCV004740559.1).
Genomic context (GRCh38, chrX:119,851,833, plus strand): 5'-TCATTAGAAAAAAACTCAAAATAATCATGCTCAGGCATAGGTTGAAGATGTTCCTGAAGC[T>C]GCTCCTTGGTCAAAGTGGGAGGTAATCTTCGAATTACCACCTTAAGAAATGCATAAGGAA-3'
Protein context (NP_542199.1, residues 56-76): RRLPPTLTKE[Gln66Arg]LQEHLQPMPE